The following is an entry in ClinVar:

ClinVar aggregate classification (germline): Uncertain significance (1 of 4 stars; one submission).

Conditions:
Brachyolmia-amelogenesis imperfecta syndrome. Also called: PLATYSPONDYLY WITH AMELOGENESIS IMPERFECTA; Tooth agenesis, selective, 6; Dental anomalies and short stature. Identifiers: Orphanet 2899, MedGen C1832594, MONDO:0011018, OMIM 601216. Disease mechanism: loss of function.

Allele frequency attached by ClinVar (database versions not stated): gnomAD exomes below 0.00001.
gnomAD v4.1: 1 of 1,546,392 alleles (0.000065%); highest among the groups gnomAD compares: East Asian, 0.0024%; no homozygotes.

Submission:

Labcorp Genetics (formerly Invitae), Labcorp
Classification: Uncertain significance for Brachyolmia-amelogenesis imperfecta syndrome. Last evaluated: 2024-03-26. Review status: criteria provided, single submitter. Criteria: Invitae Variant Classification Sherloc (09022015). Collection method: clinical testing. Allele origin: germline.
Comment: This sequence change replaces leucine, which is neutral and non-polar, with valine, which is neutral and non-polar, at codon 542 of the LTBP3 protein (p.Leu542Val). This variant is not present in population databases (gnomAD no frequency). This variant has not been reported in the literature in individuals affected with LTBP3-related conditions. An algorithm developed to predict the effect of missense changes on protein structure and function (PolyPhen-2) suggests that this variant is likely to be tolerated. In summary, the available evidence is currently insufficient to determine the role of this variant in disease. Therefore, it has been classified as a Variant of Uncertain Significance.

NM_001130144.3(LTBP3):c.1624C>G (p.Leu542Val)

Gene: LTBP3 (latent transforming growth factor beta binding protein 3; minus strand). Cytogenetic location: 11q13.1.
Variant type: single nucleotide variant.
Coding change: c.1624C>G on transcript NM_001130144.3 (MANE Select); coding-DNA position 1624, C replaced by G.
Protein change: p.Leu542Val; replaces leucine 542 with valine.
Molecular consequence: missense variant.
Genome position (GRCh38, 1-based): chr11:65,551,222, G>C on the plus strand (C>G on the coding strand, the complement: LTBP3 is on the minus strand). VCF-style: chr11-65551222-G-C. GRCh37 (hg19) VCF-style: chr11-65318693-G-C.
Other names: c.1273C>G, p.Leu425Val (NM_001164266.1); c.1624C>G, p.Leu542Val (NM_021070.4); short protein forms L542V, L425V.
Identifiers: ClinVar variation 2836268 (VCV002836268.3), dbSNP rs1392547740, ClinGen allele CA381272812.
Genomic context (GRCh38, chr11:65,551,222, plus strand): 5'-GGGAAGGAGGCAAGTCCGGCAGGAACCAGCGCATGGTCGGGGGCGAGGGACGGGAGATCA[G>C]CTCTGCGGGCGGCAGTGCACTCTGGTCAGAGACGATATTGACTGAAGCCTCCCTTTCCAC-3'
Protein context (NP_001123616.1, residues 532-552): TTTPARPYPE[Leu542Val]ISRPSPPTMR